The following is an entry in ClinVar:

ClinVar aggregate classification (germline): Uncertain significance (1 of 4 stars; one submission).

Submission:

Labcorp Genetics (formerly Invitae), Labcorp
Classification: Uncertain significance. Last evaluated: 2025-03-27. Review status: criteria provided, single submitter. Criteria: Invitae Variant Classification Sherloc (09022015). Collection method: clinical testing. Allele origin: germline.
Comment: This sequence change replaces histidine, which is basic and polar, with tyrosine, which is neutral and polar, at codon 254 of the NEDD4L protein (p.His254Tyr). This variant is not present in population databases (gnomAD no frequency). This variant has not been reported in the literature in individuals affected with NEDD4L-related conditions. Invitae Evidence Modeling of protein sequence and biophysical properties (such as structural, functional, and spatial information, amino acid conservation, physicochemical variation, residue mobility, and thermodynamic stability) indicates that this missense variant is not expected to disrupt NEDD4L protein function with a negative predictive value of 80%. Algorithms developed to predict the effect of sequence changes on RNA splicing suggest that this variant may create or strengthen a splice site. In summary, the available evidence is currently insufficient to determine the role of this variant in disease. Therefore, it has been classified as a Variant of Uncertain Significance.

NM_001144967.3(NEDD4L):c.760C>T (p.His254Tyr)

Gene: NEDD4L (NEDD4 like E3 ubiquitin protein ligase; plus strand). Cytogenetic location: 18q21.31.
Variant type: single nucleotide variant.
Coding change: c.760C>T on transcript NM_001144967.3 (MANE Select); coding-DNA position 760, C replaced by T.
Protein change: p.His254Tyr; replaces histidine 254 with tyrosine.
Molecular consequence: missense variant.
Genome position (GRCh38, 1-based): chr18:58,329,074, C>T. VCF-style: chr18-58329074-C-T. GRCh37 (hg19) VCF-style: chr18-55996306-C-T.
Other names: c.397C>T, p.His133Tyr (NM_001144964.1, NM_001144965.2, NM_001144966.3 and 2 more transcripts); c.736C>T, p.His246Tyr (NM_001144968.2, NM_001144969.2); c.760C>T, p.His254Tyr (NM_001243960.2, NM_015277.6); c.1597C>T, p.His533Tyr (NM_001437337.1); short protein forms H246Y, H133Y, H254Y, H533Y.
Identifiers: ClinVar variation 4743206 (VCV004743206.1).
Genomic context (GRCh38, chr18:58,329,074, plus strand): 5'-GACAATAACATCAGACAGATCAACCAGGAGGCAGCACACCGGCGCTTCCGCTCCCGCAGG[C>T]ACATCAGCGAAGACTTGGAGCCCGAGCCCTCGGAGGGCGGGGATGTCCCCGAGGTACGAT-3'
Protein context (NP_001138439.1, residues 244-264): AAHRRFRSRR[His254Tyr]ISEDLEPEPS